The following is an entry in ClinVar:

ClinVar aggregate classification (germline): Likely benign (1 of 4 stars; one submission).

Allele frequency attached by ClinVar (database versions not stated): gnomAD exomes below 0.00001.
gnomAD v4.1: 1 of 1,614,158 alleles (0.000062%); highest among the groups gnomAD compares: Non-Finnish European, 0.000085%; no homozygotes.

Submission:

Laboratory for Molecular Medicine, Mass General Brigham Personalized Medicine
Classification: Likely benign. Last evaluated: 2015-07-20. Review status: criteria provided, single submitter. Criteria: LMM Criteria. Collection method: clinical testing. Allele origin: germline. Observed: 1 variant allele.
Comment: p.Lys314Arg in exon 8 of SERPINB6: This variant is not expected to have clinical significance due to a lack of conservation across species, including mammals. O f note, five mammals, including dolphin, killer whale, cat, ferret, and Pacific walrus, have an Arginine (Arg) at this position despite high nearby amino acid c onservation. Additional computational prediction tools do not suggest a high lik elihood of impact to the protein.

NM_004568.6(SERPINB6):c.941A>G (p.Lys314Arg)

Gene: SERPINB6 (serpin family B member 6; minus strand). Cytogenetic location: 6p25.2.
Variant type: single nucleotide variant.
Coding change: c.941A>G on transcript NM_004568.6 (MANE Select); coding-DNA position 941, A replaced by G.
Protein change: p.Lys314Arg; replaces lysine 314 with arginine.
Molecular consequence: missense variant. On other transcripts: non-coding transcript variant (1).
Genome position (GRCh38, 1-based): chr6:2,948,488, T>C on the plus strand (A>G on the coding strand, the complement: SERPINB6 is on the minus strand). VCF-style: chr6-2948488-T-C. GRCh37 (hg19) VCF-style: chr6-2948722-T-C.
Other names: c.953A>G, p.Lys318Arg (NM_001195291.3, NM_001374515.1); c.983A>G, p.Lys328Arg (NM_001271822.2); c.998A>G, p.Lys333Arg (NM_001271823.2); c.941A>G, p.Lys314Arg (NM_001271824.2, NM_001271825.2, NM_001297699.2 and 2 more transcripts); c.809A>G, p.Lys270Arg (NM_001374517.1); short protein forms K318R, K328R, K314R, K333R, K270R.
Identifiers: ClinVar variation 227939 (VCV000227939.5), dbSNP rs876657582, ClinGen allele CA10576683.